The following is an entry in ClinVar:

ClinVar aggregate classification (germline): Uncertain significance (1 of 4 stars; one submission).

gnomAD v4.1: 1 of 1,400,886 alleles (0.000071%); highest among the groups gnomAD compares: African/African-American, 0.0015%; no homozygotes.

Submission:

GeneDx
Classification: Uncertain significance. Last evaluated: 2026-03-11. Review status: criteria provided, single submitter. Criteria: GeneDx Variant Classification Process June 2021. Collection method: clinical testing. Allele origin: germline.
Comment: Not observed at significant frequency in large population cohorts (gnomAD); In silico analysis supports that this missense variant has a deleterious effect on protein structure/function; Has not been previously published as pathogenic or benign to our knowledge

NM_020719.3(PRR12):c.3626G>C (p.Arg1209Pro)

Gene: PRR12 (proline rich 12; plus strand). Cytogenetic location: 19q13.33.
Variant type: single nucleotide variant.
Coding change: c.3626G>C on transcript NM_020719.3 (MANE Select); coding-DNA position 3626, G replaced by C.
Protein change: p.Arg1209Pro; replaces arginine 1209 with proline.
Molecular consequence: missense variant.
Genome position (GRCh38, 1-based): chr19:49,597,961, G>C. VCF-style: chr19-49597961-G-C. GRCh37 (hg19) VCF-style: chr19-50101218-G-C.
Other names: short protein forms R1209P.
Identifiers: ClinVar variation 5008778 (VCV005008778.1).
Genomic context (GRCh38, chr19:49,597,961, plus strand): 5'-CGGCCTCCACGCCCACCGATGGCGCCAAGAAACCCCGGGGCCGGGGCCGAGGCCGGGGTC[G>C]AAAGGCTGAGGAGGCAGGGGGCACCCGGTTGGAGCCCCTGAAGCCACTTAAGGTGAGGGG-3'
Protein context (NP_065770.1, residues 1199-1219): KPRGRGRGRG[Arg1209Pro]KAEEAGGTRL